The following is an entry in ClinVar:

ClinVar aggregate classification (germline): Likely benign (0 of 4 stars; one submission).

Conditions:
MUC16-related disorder. Also called: MUC16-related condition.

Submission:

PreventionGenetics, part of Exact Sciences
Classification: Likely benign for MUC16-related condition. Last evaluated: 2019-04-19. Review status: no assertion criteria provided. Collection method: clinical testing. Allele origin: germline.
Comment: This variant is classified as likely benign based on ACMG/AMP sequence variant interpretation guidelines (Richards et al. 2015 PMID: 25741868, with internal and published modifications).

NM_001401501.2(MUC16):c.38901T>C (p.Ser12967=)

Gene: MUC16 (mucin 16, cell surface associated; minus strand). Cytogenetic location: 19p13.2.
Variant type: single nucleotide variant.
Coding change: c.38901T>C on transcript NM_001401501.2 (MANE Select); coding-DNA position 38901, T replaced by C.
Protein change: p.Ser12967=; no amino-acid change (serine 12967 retained).
Molecular consequence: synonymous variant.
Genome position (GRCh38, 1-based): chr19:8,901,815, A>G on the plus strand (T>C on the coding strand, the complement: MUC16 is on the minus strand). VCF-style: chr19-8901815-A-G. GRCh37 (hg19) VCF-style: chr19-9012491-A-G.
Other names: c.39327T>C, p.Ser13109= (NM_001414686.1); c.38781T>C, p.Ser12927= (NM_001414687.1); c.38715T>C, p.Ser12905= (NM_024690.2).
Identifiers: ClinVar variation 3035695 (VCV003035695.2), dbSNP rs758793876, ClinGen allele CA505287194.